The following is an entry in ClinVar:

NM_001136482.3(C19orf38):c.573C>T (p.Thr191=)

Gene: C19orf38 (chromosome 19 open reading frame 38; plus strand). Cytogenetic location: 19p13.2.
Variant type: single nucleotide variant.
Coding change: c.573C>T on transcript NM_001136482.3 (MANE Select); coding-DNA position 573, C replaced by T.
Protein change: p.Thr191=; no amino-acid change (threonine 191 retained).
Molecular consequence: synonymous variant.
Genome position (GRCh38, 1-based): chr19:10,869,247, C>T. VCF-style: chr19-10869247-C-T. GRCh37 (hg19) VCF-style: chr19-10979923-C-T.
Identifiers: ClinVar variation 2649306 (VCV002649306.24), dbSNP rs933676170, ClinGen allele CA305244144.
Genomic context (GRCh38, chr19:10,869,247, plus strand): 5'-CACTTCTGTGTTTCTTCTTACATGGACAAAGAAAACGATGCCAGAAGAAGACCCGGCCAC[C>T]TTGGATGATCACTCAGGCACCACTGCCACCCCCAGCAACTCCAGGACCCGGAAGAGGCCC-3'
Protein context (NP_001129954.1, residues 181-201): AKTMPEEDPA[Thr191=]LDDHSGTTAT

ClinVar aggregate classification (germline): Likely benign (1 of 4 stars; one submission).

Allele frequency attached by ClinVar (database versions not stated): gnomAD 0.00001; gnomAD exomes 0.00001; TOPMed 0.00002.
gnomAD v4.1: 24 of 1,551,678 alleles (0.0015%); highest among the groups gnomAD compares: South Asian, 0.0024%; no homozygotes.

Submission:

CeGaT Center for Human Genetics Tuebingen
Classification: Likely benign. Last evaluated: 2023-04-01. Review status: criteria provided, single submitter. Criteria: CeGaT Center For Human Genetics Tuebingen Variant Classification Criteria Version 2. Collection method: clinical testing. Allele origin: germline. Affected: yes. Observed: 1 variant allele.
Comment: C19orf38: BP4, BP7